The following is an entry in ClinVar:

NM_000203.5(IDUA):c.367G>T (p.Glu123Ter)

Gene: IDUA (alpha-L-iduronidase; plus strand). Cytogenetic location: 4p16.3.
Variant type: single nucleotide variant.
Coding change: c.367G>T on transcript NM_000203.5 (MANE Select); coding-DNA position 367, G replaced by T.
Protein change: p.Glu123Ter; replaces glutamic acid 123 with a stop codon.
Molecular consequence: nonsense. On other transcripts: 5 prime UTR variant (1), non-coding transcript variant (1).
Genome position (GRCh38, 1-based): chr4:1,000,679, G>T. VCF-style: chr4-1000679-G-T. GRCh37 (hg19) VCF-style: chr4-994467-G-T.
Other names: c.-30G>T (NM_001363576.1); c.367G>T (NM_000203.4); short protein forms E123*.
Identifiers: ClinVar variation 3020655 (VCV003020655.4), dbSNP rs577729544, ClinGen allele CA355961183.

ClinVar aggregate classification (germline): Pathogenic/Likely pathogenic. Review status: criteria provided, multiple submitters, no conflicts (2 of 4 stars). 2 submissions from 2 submitters: Pathogenic (1); Likely pathogenic (1). Last evaluated 2024-07-25.

Conditions:
Mucopolysaccharidosis type 1. Also called: Mucopolysaccharidosis Type I; IDUA deficiency; MPS I. Identifiers: Orphanet 579, MedGen C0023786, MONDO:0001586.

gnomAD v4.1: 1 of 1,612,106 alleles (0.000062%); no homozygotes.

Submissions (2):

Natera, Inc.
Classification: Likely pathogenic for Mucopolysaccharidosis type I. Last evaluated: 2024-07-25. Review status: criteria provided, single submitter. Criteria: Natera Variant Classification Schema (03/2026). Collection method: clinical testing. Allele origin: germline.
Comment: The c.367G>T variant in IDUA is a nonsense variant predicted to introduce a stop codon at amino acid 123. This variant is expected to result in nonsense mediated decay, truncation, or a dysfunctional protein product. This variant is rare in the general population with a frequency below the threshold expected for the associated phenotype(s). Given the available evidence, this variant is classified as Likely Pathogenic.

Labcorp Genetics (formerly Invitae), Labcorp
Classification: Pathogenic for Mucopolysaccharidosis type 1. Last evaluated: 2023-04-18. Review status: criteria provided, single submitter. Criteria: Invitae Variant Classification Sherloc (09022015). Collection method: clinical testing. Allele origin: germline.
Comment: For these reasons, this variant has been classified as Pathogenic. This sequence change creates a premature translational stop signal (p.Glu123*) in the IDUA gene. It is expected to result in an absent or disrupted protein product. Loss-of-function variants in IDUA are known to be pathogenic (PMID: 11735025, 21480867). This variant is not present in population databases (gnomAD no frequency). This variant has not been reported in the literature in individuals affected with IDUA-related conditions. Algorithms developed to predict the effect of sequence changes on RNA splicing suggest that this variant may create or strengthen a splice site.

Literature cited by the submitters: PubMed 11735025 (cited by Labcorp Genetics (formerly Invitae), Labcorp); PubMed 21480867 (cited by Labcorp Genetics (formerly Invitae), Labcorp).